The following is an entry in ClinVar:

ClinVar aggregate classification (germline): Likely benign (1 of 4 stars; one submission).

gnomAD v4.1: 72 of 1,614,088 alleles (0.0045%); highest among the groups gnomAD compares: Middle Eastern, 0.066%; no homozygotes.

Submission:

CeGaT Center for Human Genetics Tuebingen
Classification: Likely benign. Last evaluated: 2026-08-01. Review status: criteria provided, single submitter. Criteria: CeGaT Center For Human Genetics Tuebingen Variant Classification Criteria Version 2. Collection method: clinical testing. Allele origin: germline. Affected: yes. Observed: 1 variant allele.
Comment: ANKRD17: BP4

NM_032217.5(ANKRD17):c.6412C>G (p.Pro2138Ala)

Gene: ANKRD17 (ankyrin repeat domain 17; minus strand). Cytogenetic location: 4q13.3.
Variant type: single nucleotide variant.
Coding change: c.6412C>G on transcript NM_032217.5 (MANE Select); coding-DNA position 6412, C replaced by G.
Protein change: p.Pro2138Ala; replaces proline 2138 with alanine.
Molecular consequence: missense variant.
Genome position (GRCh38, 1-based): chr4:73,091,216, G>C on the plus strand (C>G on the coding strand, the complement: ANKRD17 is on the minus strand). VCF-style: chr4-73091216-G-C. GRCh37 (hg19) VCF-style: chr4-73956933-G-C.
Other names: c.6073C>G, p.Pro2025Ala (NM_001286771.3); c.6409C>G, p.Pro2137Ala (NM_015574.2); c.5659C>G, p.Pro1887Ala (NM_198889.3); short protein forms P1887A, P2025A, P2137A, P2138A.
Identifiers: ClinVar variation 5039106 (VCV005039106.1).